The following is an entry in ClinVar:

NM_001034116.2(EIF2B4):c.1070G>A (p.Arg357Gln)

Genes: EIF2B4 (eukaryotic translation initiation factor 2B subunit delta; minus strand), GTF3C2-AS2 (GTF3C2 antisense RNA 2; plus strand). Cytogenetic location: 2p23.3.
Variant type: single nucleotide variant.
Coding change: c.1070G>A on transcript NM_001034116.2 (MANE Select); coding-DNA position 1070, G replaced by A.
Protein change: p.Arg357Gln; replaces arginine 357 with glutamine.
Molecular consequence: missense variant.
Genome position (GRCh38, 1-based): chr2:27,366,880, C>T on the plus strand (G>A on the coding strand, the complement: EIF2B4 is on the minus strand). VCF-style: chr2-27366880-C-T. GRCh37 (hg19) VCF-style: chr2-27589747-C-T.
Other names: c.1133G>A, p.Arg378Gln (NM_001318965.2); c.1025G>A, p.Arg342Gln (NM_001318966.2); c.977G>A, p.Arg326Gln (NM_001318967.2); c.485G>A, p.Arg162Gln (NM_001318968.2); c.452G>A, p.Arg151Gln (NM_001318969.2); c.1067G>A, p.Arg356Gln (NM_015636.4); c.1130G>A, p.Arg377Gln (NM_172195.4); short protein forms R357Q, R356Q, R162Q, R151Q, R326Q, R377Q, R342Q, R378Q.
Identifiers: ClinVar variation 4117 (VCV000004117.9), dbSNP rs113994033, ClinGen allele CA340161.

ClinVar aggregate classification (germline): Likely pathogenic. Review status: criteria provided, multiple submitters, no conflicts (2 of 4 stars). 3 submissions from 3 submitters: Likely pathogenic (2). 1 of the submissions does not count toward it. Last evaluated 2025-05-12.

Conditions:
Leukoencephalopathy with vanishing white matter 4 (VWM4). Also called: EIF2B4-Related Childhood Ataxia with Central Nervous System Hypomyelination/Vanishing White Matter; Leukoencephalopathy with vanishing white matter 4, with or without ovarian failure. Identifiers: MedGen C5830406, MONDO:0957872, OMIM 620314.
Vanishing white matter disease. Also called: Childhood ataxia with diffuse central nervous system hypomyelination; Leukoencephalopathy with vanishing white matter; CACH/VWM syndrome; Cree leukoencehalopathy; CACH syndrome. Identifiers: Orphanet 135, Orphanet 99853, MedGen C1858991, MONDO:0800448.

Allele frequency attached by ClinVar (database versions not stated): gnomAD exomes 0.00001; 1000 Genomes Project 30x 0.00016; TOPMed 0.00001; gnomAD 0.00002 and 0.00003; 1000 Genomes Project 0.00020; ExAC 0.00001.
gnomAD v4.1: 9 of 1,614,148 alleles (0.00056%); highest among the groups gnomAD compares: African/African-American, 0.004%; no homozygotes.

Submissions (3):

Women's Health and Genetics/Laboratory Corporation of America, LabCorp
Classification: Likely pathogenic for Vanishing white matter disease. Last evaluated: 2025-05-12. Review status: criteria provided, single submitter. Criteria: LabCorp Variant Classification Summary - May 2015. Collection method: clinical testing. Allele origin: germline.
Comment: Variant summary: EIF2B4 c.1067G>A (p.Arg356Gln) results in a conservative amino acid change in the encoded protein sequence. Algorithms developed to predict the effect of missense changes on protein structure and function are either unavailable or do not agree on the potential impact of this missense change. The variant allele was found at a frequency of 1.2e-05 in 251348 control chromosomes (gnomAD). c.1067G>A has been observed in individuals affected with Leukoencephalopathy With Vanishing White Matter (van der Knaap_2002, Shimada_2015, Slynko_2021). These data indicate that the variant is likely to be associated with disease. To our knowledge, no experimental evidence demonstrating an impact on protein function has been reported. The following publications have been ascertained in the context of this evaluation (PMID: 35389136, 25843247, 33432707, 11835386). ClinVar contains an entry for this variant (Variation ID: 4117). Based on the evidence outlined above, the variant was classified as likely pathogenic.

Fulgent Genetics
Classification: Likely pathogenic for Leukoencephalopathy with vanishing white matter 4. Last evaluated: 2024-06-20. Review status: criteria provided, single submitter. Criteria: ACMG Guidelines, 2015. Collection method: clinical testing. Allele origin: germline.

OMIM
Classification: Pathogenic for LEUKOENCEPHALOPATHY WITH VANISHING WHITE MATTER 4. Last evaluated: 2002-02-01. Review status: no assertion criteria provided. Collection method: literature only. Allele origin: germline. Not counted in ClinVar's aggregate classification.

Literature cited by the submitters: PubMed 25843247 (cited by Women's Health and Genetics/Laboratory Corporation of America, LabCorp); PubMed 33432707 (cited by Women's Health and Genetics/Laboratory Corporation of America, LabCorp); PubMed 11835386 (cited by Women's Health and Genetics/Laboratory Corporation of America, LabCorp and OMIM); PubMed 35389136 (cited by Women's Health and Genetics/Laboratory Corporation of America, LabCorp).